The following is an entry in ClinVar:

NM_014363.6(SACS):c.10790A>G (p.Gln3597Arg)

Gene: SACS (sacsin molecular chaperone; minus strand). Cytogenetic location: 13q12.12.
Variant type: single nucleotide variant.
Coding change: c.10790A>G on transcript NM_014363.6 (MANE Select); coding-DNA position 10790, A replaced by G.
Protein change: p.Gln3597Arg; replaces glutamine 3597 with arginine.
Molecular consequence: missense variant.
Genome position (GRCh38, 1-based): chr13:23,333,086, T>C on the plus strand (A>G on the coding strand, the complement: SACS is on the minus strand). VCF-style: chr13-23333086-T-C. GRCh37 (hg19) VCF-style: chr13-23907225-T-C.
Other names: c.10349A>G, p.Gln3450Arg (NM_001278055.2); c.10790A>G (NM_014363.4, NM_014363.5); short protein forms Q3450R, Q3597R.
Identifiers: ClinVar variation 1051217 (VCV001051217.12), dbSNP rs1299454627, ClinGen allele CA387511419.

ClinVar aggregate classification (germline): Conflicting classifications of pathogenicity. Review status: criteria provided, conflicting classifications (1 of 4 stars). 4 submissions from 4 submitters: Uncertain significance (2); Likely benign (1). 1 of the submissions does not count toward it. Last evaluated 2026-03-31.

Conditions:
SACS-related disorder. Also called: SACS-related condition.
Inborn genetic diseases. Identifiers: MedGen C0950123, MeSH D030342.
Spastic paraplegia. Identifiers: MedGen C0037772, HP:0001258.
Charlevoix-Saguenay spastic ataxia (SACS). Also called: Spastic ataxia of Charlevoix-Saguenay; SPASTIC ATAXIA 6, AUTOSOMAL RECESSIVE; AUTOSOMAL RECESSIVE SPASTIC ATAXIA OF CHARLEVOIX-SAGUENAY. Identifiers: Orphanet 98, MedGen C1849140, MONDO:0010041, OMIM 270550.

Allele frequency attached by ClinVar (database versions not stated): gnomAD exomes below 0.00001; gnomAD 0.00005 and 0.00006; TOPMed 0.00007.
gnomAD v4.1: 13 of 1,613,782 alleles (0.00081%); highest among the groups gnomAD compares: Admixed American, 0.017%; no homozygotes.

Submissions (4):

PreventionGenetics, part of Exact Sciences
Classification: Uncertain significance for SACS-related condition. Last evaluated: 2026-03-31. Review status: criteria provided, single submitter. Criteria: ACMG Guidelines, 2015. Collection method: clinical testing. Allele origin: germline.
Comment: The SACS c.10790A>G variant is predicted to result in the amino acid substitution p.Gln3597Arg. To our knowledge, this variant has not been reported in the literature. This variant is reported in 0.0028% of alleles in individuals of Latino descent in gnomAD. At this time, the clinical significance of this variant is uncertain due to the absence of conclusive functional and genetic evidence.

Labcorp Genetics (formerly Invitae), Labcorp
Classification: Likely benign for Spastic paraplegia. Last evaluated: 2024-03-23. Review status: criteria provided, single submitter. Criteria: Invitae Variant Classification Sherloc (09022015). Collection method: clinical testing. Allele origin: germline.

Ambry Genetics
Classification: Uncertain significance for Inborn genetic diseases. Last evaluated: 2023-11-17. Review status: criteria provided, single submitter. Criteria: Ambry Variant Classification Scheme 2023. Collection method: clinical testing. Allele origin: germline.

Natera, Inc.
Classification: Uncertain significance for Charlevoix-Saguenay type spastic ataxia. Last evaluated: 2021-01-31. Review status: no assertion criteria provided. Collection method: clinical testing. Allele origin: germline. Not counted in ClinVar's aggregate classification.